The following is an entry in ClinVar:

NM_005918.4(MDH2):c.254A>G (p.Gln85Arg)

Gene: MDH2 (malate dehydrogenase 2; plus strand). Cytogenetic location: 7q11.23.
Variant type: single nucleotide variant.
Coding change: c.254A>G on transcript NM_005918.4 (MANE Select); coding-DNA position 254, A replaced by G.
Protein change: p.Gln85Arg; replaces glutamine 85 with arginine.
Molecular consequence: missense variant. On other transcripts: 5 prime UTR variant (1).
Genome position (GRCh38, 1-based): chr7:76,057,428, A>G. VCF-style: chr7-76057428-A-G. GRCh37 (hg19) VCF-style: chr7-75686746-A-G.
Other names: c.254A>G, p.Gln85Arg (NM_001282403.2); c.-68A>G (NM_001282404.2); short protein forms Q85R.
Identifiers: ClinVar variation 3394063 (VCV003394063.1).

ClinVar aggregate classification (germline): Uncertain significance (1 of 4 stars; one submission).

Conditions:
Inborn genetic diseases. Identifiers: MedGen C0950123, MeSH D030342.

Submission:

Ambry Genetics
Classification: Uncertain significance for Inborn genetic diseases. Last evaluated: 2024-07-30. Review status: criteria provided, single submitter. Criteria: Ambry Variant Classification Scheme 2023. Collection method: clinical testing. Allele origin: germline.
Comment: The p.Q85R variant (also known as c.254A>G), located in coding exon 3 of the MDH2 gene, results from an A to G substitution at nucleotide position 254. The glutamine at codon 85 is replaced by arginine, an amino acid with highly similar properties. This amino acid position is conserved. In addition, the in silico prediction for this alteration is inconclusive. Based on the available evidence, the clinical significance of this variant remains unclear.